The following is an entry in ClinVar:

NM_003722.5(TP63):c.912C>A (p.Tyr304Ter)

Gene: TP63 (tumor protein p63; plus strand). Cytogenetic location: 3q28.
Variant type: single nucleotide variant.
Coding change: c.912C>A on transcript NM_003722.5 (MANE Select); coding-DNA position 912, C replaced by A.
Protein change: p.Tyr304Ter; replaces tyrosine 304 with a stop codon.
Molecular consequence: nonsense.
Genome position (GRCh38, 1-based): chr3:189,867,862, C>A. VCF-style: chr3-189867862-C-A. GRCh37 (hg19) VCF-style: chr3-189585651-C-A.
Other names: c.912C>A, p.Tyr304Ter (NM_001114978.2, NM_001114979.2, NM_001329144.2 and 1 more transcripts); c.630C>A, p.Tyr210Ter (NM_001114980.2, NM_001114981.2, NM_001114982.2 and 2 more transcripts); c.375C>A, p.Tyr125Ter (NM_001329146.2, NM_001329150.2); c.906C>A, p.Tyr302Ter (NM_001329964.2); short protein forms Y125*, Y210*, Y302*, Y304*.
Identifiers: ClinVar variation 3343492 (VCV003343492.1).
Genomic context (GRCh38, chr3:189,867,862, plus strand): 5'-TTAACACAGATTATTTACCCCTTGTTTTCAGGTTGGCACTGAATTCACGACAGTCTTGTA[C>A]AATTTCATGTGTAACAGCAGTTGTGTTGGAGGGATGAACCGCCGTCCAATTTTAATCATT-3'

ClinVar aggregate classification (germline): Uncertain significance (1 of 4 stars; one submission).

Submission:

GeneDx
Classification: Uncertain significance. Last evaluated: 2023-05-26. Review status: criteria provided, single submitter. Criteria: GeneDx Variant Classification Process June 2021. Collection method: clinical testing. Allele origin: germline. Affected: yes.
Comment: Nonsense variant predicted to result in protein truncation or nonsense mediated decay in a gene for which loss-of-function is not a known mechanism of disease; Not observed at significant frequency in large population cohorts (gnomAD); Has not been previously published as pathogenic or benign to our knowledge